The following is an entry in ClinVar:

ClinVar aggregate classification (germline): Uncertain significance (1 of 4 stars; one submission).

gnomAD v4.1: 6 of 1,585,364 alleles (0.00038%); highest among the groups gnomAD compares: South Asian, 0.0034%; no homozygotes.

Submission:

Ambry Genetics
Classification: Uncertain significance. Last evaluated: 2024-11-21. Review status: criteria provided, single submitter. Criteria: Ambry Variant Classification Scheme 2023. Collection method: clinical testing. Allele origin: germline.
Comment: The p.R1594H variant (also known as c.4781G>A), located in coding exon 19 of the WNK2 gene, results from a G to A substitution at nucleotide position 4781. The arginine at codon 1594 is replaced by histidine, an amino acid with highly similar properties. This amino acid position is conserved. In addition, this alteration is predicted to be tolerated by in silico analysis. Based on the available evidence, the clinical significance of this variant remains unclear.

NM_006648.4(WNK2):c.4781G>A (p.Arg1594His)

Gene: WNK2 (WNK lysine deficient protein kinase 2; plus strand). Cytogenetic location: 9q22.31.
Variant type: single nucleotide variant.
Coding change: c.4781G>A on transcript NM_006648.4 (MANE Select); coding-DNA position 4781, G replaced by A.
Protein change: p.Arg1594His; replaces arginine 1594 with histidine.
Molecular consequence: missense variant.
Genome position (GRCh38, 1-based): chr9:93,289,535, G>A. VCF-style: chr9-93289535-G-A. GRCh37 (hg19) VCF-style: chr9-96051817-G-A.
Other names: c.4892G>A, p.Arg1631His (NM_001282394.3); short protein forms R1631H, R1594H.
Identifiers: ClinVar variation 3470278 (VCV003470278.1).